The following is an entry in ClinVar:

ClinVar aggregate classification (germline): Likely benign. Review status: criteria provided, multiple submitters, no conflicts (2 of 4 stars). 2 submissions from 2 submitters: Likely benign (2). Last evaluated 2025-02-18.

Conditions:
PKHD1-related disorder. Also called: PKHD1-related condition.
Autosomal recessive polycystic kidney disease (ARPKD). Also called: AR polycystic kidney disease. Identifiers: Orphanet 731, Orphanet 8378, MedGen C0085548, MeSH D017044, MONDO:0009889.

Allele frequency attached by ClinVar (database versions not stated): gnomAD exomes below 0.00001; gnomAD 0.00001.
gnomAD v4.1: 2 of 1,614,084 alleles (0.00012%); highest among the groups gnomAD compares: Admixed American, 0.0017%; no homozygotes.

Submissions (2):

PreventionGenetics, part of Exact Sciences
Classification: Likely benign for PKHD1-related condition. Last evaluated: 2025-02-18. Review status: criteria provided, single submitter. Criteria: ACMG Guidelines, 2015. Collection method: clinical testing. Allele origin: germline.
Comment: This variant is classified as likely benign based on ACMG/AMP sequence variant interpretation guidelines (Richards et al. 2015 PMID: 25741868, with internal and published modifications).

Labcorp Genetics (formerly Invitae), Labcorp
Classification: Likely benign for Autosomal recessive polycystic kidney disease. Last evaluated: 2023-08-16. Review status: criteria provided, single submitter. Criteria: Invitae Variant Classification Sherloc (09022015). Collection method: clinical testing. Allele origin: germline.

NM_138694.4(PKHD1):c.4248T>C (p.Ser1416=)

Gene: PKHD1 (PKHD1 ciliary IPT domain containing fibrocystin/polyductin; minus strand). Cytogenetic location: 6p12.2.
Variant type: single nucleotide variant.
Coding change: c.4248T>C on transcript NM_138694.4 (MANE Select); coding-DNA position 4248, T replaced by C.
Protein change: p.Ser1416=; no amino-acid change (serine 1416 retained).
Molecular consequence: synonymous variant.
Genome position (GRCh38, 1-based): chr6:52,025,562, A>G on the plus strand (T>C on the coding strand, the complement: PKHD1 is on the minus strand). VCF-style: chr6-52025562-A-G. GRCh37 (hg19) VCF-style: chr6-51890360-A-G.
Other names: c.4248T>C, p.Ser1416= (NM_170724.3); c.4248T>C (NM_138694.3).
Identifiers: ClinVar variation 1926054 (VCV001926054.6), dbSNP rs1365219020, ClinGen allele CA450614489.
Genomic context (GRCh38, chr6:52,025,562, plus strand): 5'-CAAACTCAAAATCACACAAGTAAAAGGACCCGAGAGGTCAACCCGAACTGACCTCCTTCT[A>G]GAGTTAAGAAGCAACCCCCTCACAGTAAGTATGGTCCCACCACATGCCGAACCCTGCGAT-3'
Protein context (NP_619639.3, residues 1406-1426): ILTVRGLLLN[Ser1416=]RRRSVRVDLS